The following is an entry in ClinVar:

ClinVar aggregate classification (germline): Pathogenic/Likely pathogenic. Review status: criteria provided, multiple submitters, no conflicts (2 of 4 stars). 11 submissions from 11 submitters: Pathogenic (8); Likely pathogenic (2). 1 of the submissions does not count toward it. Last evaluated 2026-01-31.

Conditions:
Familial cancer of breast. Also called: hereditary breast carcinoma; BREAST CANCER, FAMILIAL; Hereditary breast cancer. Identifiers: Orphanet 227535, MedGen C0346153, MONDO:0016419, OMIM 114480. Disease mechanism: loss of function.
Ataxia-telangiectasia syndrome (AT). Also called: ATAXIA-TELANGIECTASIA, COMPLEMENTATION GROUP A; ATAXIA-TELANGIECTASIA, FRESNO VARIANT; Ataxia-telangiectasia; Ataxia-telangiectasia, complementation group E; Cerebello-oculocutaneous telangiectasia; Immunodeficiency with ataxia telangiectasia. Identifiers: Orphanet 100, MedGen C0004135, MONDO:0008840, OMIM 208900.
Hereditary cancer-predisposing syndrome. Also called: Hereditary Cancer Syndrome; Tumor predisposition; Neoplastic Syndromes, Hereditary; Hereditary neoplastic syndrome. Identifiers: Orphanet 140162, MedGen C0027672, MeSH D009386, MONDO:0015356.

Allele frequency attached by ClinVar (database versions not stated): TOPMed 0.00001; gnomAD 0.00001.
gnomAD v4.1: 4 of 1,608,514 alleles (0.00025%); highest among the groups gnomAD compares: Non-Finnish European, 0.00034%; no homozygotes.

Submissions (11):

Labcorp Genetics (formerly Invitae), Labcorp
Classification: Pathogenic for Ataxia-telangiectasia syndrome. Last evaluated: 2026-01-31. Review status: criteria provided, single submitter. Criteria: Invitae Variant Classification Sherloc (09022015). Collection method: clinical testing. Allele origin: germline.
Comment: This sequence change affects a donor splice site in intron 60 of the ATM gene. RNA analysis indicates that disruption of this splice site induces altered splicing and may result in an absent or altered protein product. This variant is not present in population databases (gnomAD no frequency). Disruption of this splice site has been observed in individuals with a family history of breast cancer and ataxia-telangiectasia (PMID: 8659541, 8808599, 9463314, 10330348, 10817650, 10980530, 11298136, 21445571, 21459046, 21792198). ClinVar contains an entry for this variant (Variation ID: 184741). Studies have shown that disruption of this splice site results in skipping of exon 60, and produces a non-functional protein and/or introduces a premature termination codon (internal data). For these reasons, this variant has been classified as Pathogenic.

Quest Diagnostics Nichols Institute San Juan Capistrano
Classification: Pathogenic. Last evaluated: 2025-10-09. Review status: criteria provided, single submitter. Criteria: Quest Diagnostics criteria. Collection method: clinical testing. Allele origin: unknown.
Comment: The ATM c.8786+1G>T variant disrupts a canonical splice-donor site and interferes with normal ATM mRNA splicing. This variant has been reported in the published literature in an individual with breast cancer (PMID: 33280026 (2021)). This variant has also been observed to result in aberrant splicing (PMID: 33280026 (2021)). Another variant located at the same splice site (ATM c.8786+1G>A) has been identified in individuals with breast cancer (PMID: 21445571 (2011)) and ataxia-telangiectasia (AT) (PMID: 21792198 (2011)). The frequency of this variant in the general population (Genome Aggregation Database) is consistent with pathogenicity. Based on the available information, this variant is classified as pathogenic.

Natera, Inc.
Classification: Pathogenic for Ataxia-telangiectasia. Last evaluated: 2025-02-19. Review status: criteria provided, single submitter. Criteria: Natera Variant Classification Schema (03/2026). Collection method: clinical testing. Allele origin: germline.
Comment: The c.8786+1G>T variant in ATM is a canonical splice donor site variant predicted to affect pre-mRNA splicing, which may result in an abnormal transcript and altered protein product. This variant is expected to result in nonsense mediated decay, truncation, or a dysfunctional protein product. This variant is rare in the general population with a frequency below the threshold expected for the associated phenotype(s). Another variant at this same site results in an alteration predicted to cause a similar molecular effect has been observed in individual(s) with the associated phenotype. Given the available evidence, this variant is classified as Pathogenic.

Fulgent Genetics
Classification: Pathogenic for Familial cancer of breast; Ataxia-telangiectasia syndrome. Last evaluated: 2024-04-17. Review status: criteria provided, single submitter. Criteria: ACMG Guidelines, 2015. Collection method: clinical testing. Allele origin: germline.

Baylor Genetics
Classification: Pathogenic for Familial cancer of breast. Last evaluated: 2024-02-29. Review status: criteria provided, single submitter. Criteria: ACMG Guidelines, 2015. Collection method: clinical testing. Allele origin: unknown.

Myriad Genetics, Inc.
Classification: Likely pathogenic for Familial cancer of breast. Last evaluated: 2024-02-05. Review status: criteria provided, single submitter. Criteria: Myriad Autosomal Dominant, Autosomal Recessive and X-Linked Classification Criteria (2023). Collection method: clinical testing. Allele origin: unknown.
Comment: This variant is considered likely pathogenic. This variant occurs within a consensus splice junction and is predicted to result in abnormal mRNA splicing of either an out-of-frame exon or an in-frame exon necessary for protein stability and/or normal function.

Ambry Genetics
Classification: Pathogenic for Hereditary cancer-predisposing syndrome. Last evaluated: 2022-12-28. Review status: criteria provided, single submitter. Criteria: Ambry Variant Classification Scheme 2023. Collection method: clinical testing. Allele origin: germline.
Comment: The c.8786+1G>T intronic pathogenic mutation results from a G to T substitution one nucleotide after coding exon 59 of the ATM gene. To our knowledge, this alteration has not been reported in published literature to date; however, a different nucleotide change at the same position, c.8786+1G>A (also known as IVS62+1G>A), has been detected in numerous ataxia-telangiectasia kindreds (Stankovic T et al. Am J Hum Genet. 1998 Feb;62(2):334-45; Laake K et al. Hum Mutat. 2000 Sep;16(3):232-46; Li A and Swift M. Am J Med Genet. 2000 May 29;92(3):170-7). In silico splice site analysis predicts that this alteration will weaken the native splice donor site. RNA studies have demonstrated that this alteration results in abnormal splicing in the set of samples tested (Ambry internal data). Based on the supporting evidence, this alteration is interpreted as a disease-causing mutation.

GeneDx
Classification: Pathogenic. Last evaluated: 2022-05-18. Review status: criteria provided, single submitter. Criteria: GeneDx Variant Classification Process June 2021. Collection method: clinical testing. Allele origin: germline. Affected: yes.
Comment: Canonical splice site variant in a gene for which loss-of-function is a known mechanism of disease; Not observed in large population cohorts (gnomAD); Observed in an individual with breast cancer (Feliubadal 2021); This variant is associated with the following publications: (PMID: 28152038, 34426522, 33280026)

Spanish ATM Cancer Susceptibility Variant Interpretation Working Group
Classification: Pathogenic for Hereditary cancer-predisposing syndrome. Last evaluated: 2020-06-17. Review status: criteria provided, single submitter. Criteria: Feliubadaló L et al. (Clin Chem 2021). Collection method: clinical testing. Allele origin: germline. Affected: yes. Observed: 1 heterozygote.
Comment: The c.8786+1G>T variant is located in the canonical donor splice site of intron 60 and it is predicted to cause the skipping of exon 60 and the disruption of the reading frame, and to undergo nonsense mediated decay (NMD) (PVS1). It is absent from the gnomAD v2.1.1 non-cancer dataset, in a position with adequate coverage (>20x) (PM2). Semiquantitative splicing analysis shows a 55% of altered band and 45% of wild type band after RT-PCR of puromycin-cultured lymphocyte carrier RNA. The altered band is the result of the predicted skipping of exon 60 (PS3_Moderate; M. Santamariña and A. Vega., unpublished data). Therefore, this variant meets criteria to be classified as pathogenic. Adapted ACMG/AMP rules applied as defined by the Spanish ATM working group: PVS1 + PM2 + PS3_Moderate (PMID: 33280026).

Color Diagnostics, LLC DBA Color Health
Classification: Likely pathogenic for Hereditary cancer-predisposing syndrome. Last evaluated: 2019-11-26. Review status: criteria provided, single submitter. Criteria: ACMG Guidelines, 2015. Collection method: clinical testing. Allele origin: germline.
Comment: This variant causes a G>T nucleotide substitution at the +1 position of intron 60 of the ATM gene. Splice site prediction tools predict that this variant may have a significant impact on RNA splicing. Although this prediction has not been confirmed in published RNA studies, this variant is expected to result in an absent or disrupted protein product. This variant has not been reported in individuals affected with hereditary cancer in the literature. This variant has not been identified in the general population by the Genome Aggregation Database (gnomAD). Loss of ATM function is a known mechanism of disease. Based on the available evidence, this variant is classified as Likely Pathogenic.

Counsyl
Classification: Likely pathogenic for Ataxia-telangiectasia syndrome. Last evaluated: 2017-07-17. Review status: no assertion criteria provided. Collection method: clinical testing. Allele origin: unknown. Not counted in ClinVar's aggregate classification.

Literature cited by the submitters: PubMed 8659541 (cited by Labcorp Genetics (formerly Invitae), Labcorp); PubMed 8808599 (cited by Labcorp Genetics (formerly Invitae), Labcorp); PubMed 9463314 (cited by Labcorp Genetics (formerly Invitae), Labcorp); PubMed 10330348 (cited by Labcorp Genetics (formerly Invitae), Labcorp); PubMed 10817650 (cited by Labcorp Genetics (formerly Invitae), Labcorp); PubMed 10980530 (cited by Labcorp Genetics (formerly Invitae), Labcorp); PubMed 11298136 (cited by Labcorp Genetics (formerly Invitae), Labcorp); PubMed 21445571 (cited by Labcorp Genetics (formerly Invitae), Labcorp); PubMed 21459046 (cited by Labcorp Genetics (formerly Invitae), Labcorp); PubMed 21792198 (cited by Labcorp Genetics (formerly Invitae), Labcorp).

NM_000051.4(ATM):c.8786+1G>T

Genes: ATM (ATM serine/threonine kinase; plus strand), C11orf65 (chromosome 11 open reading frame 65; minus strand). Cytogenetic location: 11q22.3.
Variant type: single nucleotide variant.
Coding change: c.8786+1G>T on transcript NM_000051.4 (MANE Select); the canonical splice donor site of the intron after coding-DNA position 8786, G replaced by T.
Molecular consequence: splice donor variant. On other transcripts: intron variant (2).
Genome position (GRCh38, 1-based): chr11:108,353,881, G>T. VCF-style: chr11-108353881-G-T. GRCh37 (hg19) VCF-style: chr11-108224608-G-T.
Other names: c.8786+1G>T (NM_001351834.2); c.640+32039C>A (NM_001330368.2); c.695-18589C>A (NM_001351110.2).
Identifiers: ClinVar variation 184741 (VCV000184741.28), dbSNP rs17174393, ClinGen allele CA189911.